The following is an entry in ClinVar:

ClinVar aggregate classification (germline): Uncertain significance. Review status: criteria provided, multiple submitters, no conflicts (2 of 4 stars). 2 submissions from 2 submitters: Uncertain significance (2). Last evaluated 2022-05-06.

Conditions:
Inborn genetic diseases. Identifiers: MedGen C0950123, MeSH D030342.
Severe combined immunodeficiency due to DCLRE1C deficiency (RS-SCID). Also called: SCID, AUTOSOMAL RECESSIVE, T CELL-NEGATIVE, B CELL-NEGATIVE, NK CELL-POSITIVE, WITH SENSITIVITY TO IONIZING RADIATION. Identifiers: Orphanet 275, MedGen C1865371, MONDO:0011225, OMIM 602450.

Allele frequency attached by ClinVar (database versions not stated): gnomAD exomes 0.00001; gnomAD 0.00001; TOPMed 0.00002.
gnomAD v4.1: 15 of 1,614,080 alleles (0.00093%); highest among the groups gnomAD compares: Non-Finnish European, 0.0013%; no homozygotes.

Submissions (2):

Labcorp Genetics (formerly Invitae), Labcorp
Classification: Uncertain significance for Athabaskan severe combined immunodeficiency. Last evaluated: 2022-05-06. Review status: criteria provided, single submitter. Criteria: Invitae Variant Classification Sherloc (09022015). Collection method: clinical testing. Allele origin: germline.
Comment: This sequence change replaces glutamic acid, which is acidic and polar, with glycine, which is neutral and non-polar, at codon 528 of the DCLRE1C protein (p.Glu528Gly). This variant is not present in population databases (gnomAD no frequency). This variant has not been reported in the literature in individuals affected with DCLRE1C-related conditions. Algorithms developed to predict the effect of missense changes on protein structure and function (SIFT, PolyPhen-2, Align-GVGD) all suggest that this variant is likely to be tolerated. In summary, the available evidence is currently insufficient to determine the role of this variant in disease. Therefore, it has been classified as a Variant of Uncertain Significance.

Ambry Genetics
Classification: Uncertain significance for Inborn genetic diseases. Last evaluated: 2022-04-07. Review status: criteria provided, single submitter. Criteria: Ambry Variant Classification Scheme 2023. Collection method: clinical testing. Allele origin: germline.

NM_001033855.3(DCLRE1C):c.1583A>G (p.Glu528Gly)

Gene: DCLRE1C (DNA cross-link repair 1C; minus strand). Cytogenetic location: 10p13.
Variant type: single nucleotide variant.
Coding change: c.1583A>G on transcript NM_001033855.3 (MANE Select); coding-DNA position 1583, A replaced by G.
Protein change: p.Glu528Gly; replaces glutamic acid 528 with glycine.
Molecular consequence: missense variant. On other transcripts: non-coding transcript variant (4).
Genome position (GRCh38, 1-based): chr10:14,908,904, T>C on the plus strand (A>G on the coding strand, the complement: DCLRE1C is on the minus strand). VCF-style: chr10-14908904-T-C. GRCh37 (hg19) VCF-style: chr10-14950903-T-C.
Other names: c.1223A>G, p.Glu408Gly (NM_001033857.3, NM_001033858.3, NM_001289077.2 and 2 more transcripts); c.1238A>G, p.Glu413Gly (NM_001289076.2, NM_001289078.2, NM_001350966.2 and 1 more transcripts); c.1583A>G, p.Glu528Gly (NM_001350965.2); short protein forms E408G, E413G, E528G.
Identifiers: ClinVar variation 1898717 (VCV001898717.3), dbSNP rs1159787737, ClinGen allele CA376075274.